The following is an entry in ClinVar:

ClinVar aggregate classification (germline): Uncertain significance (1 of 4 stars; one submission).

Allele frequency attached by ClinVar (database versions not stated): gnomAD exomes below 0.00001.
gnomAD v4.1: 1 of 1,613,854 alleles (0.000062%); highest among the groups gnomAD compares: Non-Finnish European, 0.000085%; no homozygotes.

Submission:

Labcorp Genetics (formerly Invitae), Labcorp
Classification: Uncertain significance. Last evaluated: 2025-01-13. Review status: criteria provided, single submitter. Criteria: Invitae Variant Classification Sherloc (09022015). Collection method: clinical testing. Allele origin: germline.
Comment: This sequence change replaces histidine, which is basic and polar, with aspartic acid, which is acidic and polar, at codon 366 of the CAPN5 protein (p.His366Asp). This variant is not present in population databases (gnomAD no frequency). This variant has not been reported in the literature in individuals affected with CAPN5-related conditions. ClinVar contains an entry for this variant (Variation ID: 1960398). An algorithm developed to predict the effect of missense changes on protein structure and function (PolyPhen-2) suggests that this variant is likely to be tolerated. In summary, the available evidence is currently insufficient to determine the role of this variant in disease. Therefore, it has been classified as a Variant of Uncertain Significance.

NM_004055.5(CAPN5):c.1096C>G (p.His366Asp)

Gene: CAPN5 (calpain 5; plus strand). Cytogenetic location: 11q13.5.
Variant type: single nucleotide variant.
Coding change: c.1096C>G on transcript NM_004055.5 (MANE Select); coding-DNA position 1096, C replaced by G.
Protein change: p.His366Asp; replaces histidine 366 with aspartic acid.
Molecular consequence: missense variant.
Genome position (GRCh38, 1-based): chr11:77,118,281, C>G. VCF-style: chr11-77118281-C-G. GRCh37 (hg19) VCF-style: chr11-76829327-C-G.
Other names: short protein forms H366D.
Identifiers: ClinVar variation 1960398 (VCV001960398.5), dbSNP rs2496299058, ClinGen allele CA381941590.
Genomic context (GRCh38, chr11:77,118,281, plus strand): 5'-TCCCACCTGAGCATCCACAAGACGTGGGAGGAGGCCCGGCTGCATGGCGCCTGGACGCTG[C>G]ATGAGGACCCGCGACAGAACCGCGGTGGCGGCTGCATCAACCACAAGGACACCTTCTTCC-3'
Protein context (NP_004046.2, residues 356-376): EARLHGAWTL[His366Asp]EDPRQNRGGG